The following is an entry in ClinVar:

NM_001099922.3(ALG13):c.638G>A (p.Ser213Asn)

Gene: ALG13 (ALG13 UDP-N-acetylglucosaminyltransferase subunit; plus strand). Cytogenetic location: Xq23.
Variant type: single nucleotide variant.
Coding change: c.638G>A on transcript NM_001099922.3 (MANE Select); coding-DNA position 638, G replaced by A.
Protein change: p.Ser213Asn; replaces serine 213 with asparagine.
Molecular consequence: missense variant. On other transcripts: non-coding transcript variant (1).
Genome position (GRCh38, 1-based): chrX:111,708,281, G>A. VCF-style: chrX-111708281-G-A. GRCh37 (hg19) VCF-style: chrX-110951509-G-A.
Other names: c.326G>A, p.Ser109Asn (NM_001257230.2, NM_001257234.2, NM_001257237.2 and 1 more transcripts); c.404G>A, p.Ser135Asn (NM_001257231.2); c.638G>A, p.Ser213Asn (NM_001324292.2); short protein forms S213N, S109N, S135N.
Identifiers: ClinVar variation 381446 (VCV000381446.17), dbSNP rs374748006, ClinGen allele CA10493560.

ClinVar aggregate classification (germline): Benign/Likely benign. Review status: criteria provided, multiple submitters, no conflicts (2 of 4 stars). 5 submissions from 5 submitters: Benign (2); Likely benign (2). 1 of the submissions does not count toward it. Last evaluated 2026-01-05.

Conditions:
Inborn genetic diseases. Identifiers: MedGen C0950123, MeSH D030342.
Developmental and epileptic encephalopathy, 36 (DEE36). Also called: Epileptic encephalopathy, early infantile, 36; ALG13-CDG; Congenital disorder of glycosylation, type Is. Identifiers: Orphanet 324422, MedGen C4317295, MONDO:0010472, OMIM 300884.
ALG13-related disorder. Also called: ALG13-related condition.

Allele frequency attached by ClinVar (database versions not stated): ExAC 0.00006; gnomAD exomes 0.00006; ESP Exome Variant Server 0.00012; gnomAD 0.00040; 1000 Genomes Project 0.00079; 1000 Genomes Project 30x 0.00104; TOPMed 0.00107.
gnomAD v4.1: 92 of 1,210,094 alleles (0.0076%); highest among the groups gnomAD compares: Admixed American, 0.13%; no homozygotes.

Submissions (5):

Labcorp Genetics (formerly Invitae), Labcorp
Classification: Likely benign for Developmental and epileptic encephalopathy, 36. Last evaluated: 2026-01-05. Review status: criteria provided, single submitter. Criteria: Invitae Variant Classification Sherloc (09022015). Collection method: clinical testing. Allele origin: germline.

Genome-Nilou Lab
Classification: Benign for Developmental and epileptic encephalopathy, 36. Last evaluated: 2021-12-05. Review status: criteria provided, single submitter. Criteria: ACMG Guidelines, 2015. Collection method: clinical testing. Allele origin: germline. Affected: no.

Ambry Genetics
Classification: Likely benign for Inborn genetic diseases. Last evaluated: 2017-09-14. Review status: criteria provided, single submitter. Criteria: Ambry Variant Classification Scheme 2023. Collection method: clinical testing. Allele origin: germline.

GeneDx
Classification: Benign. Last evaluated: 2017-01-17. Review status: criteria provided, single submitter. Criteria: GeneDx Variant Classification (06012015). Collection method: clinical testing. Allele origin: germline. Affected: yes.
Comment: This variant is considered likely benign or benign based on one or more of the following criteria: it is a conservative change, it occurs at a poorly conserved position in the protein, it is predicted to be benign by multiple in silico algorithms, and/or has population frequency not consistent with disease.

PreventionGenetics, part of Exact Sciences
Classification: Likely benign for ALG13-related condition. Last evaluated: 2019-10-17. Review status: no assertion criteria provided. Collection method: clinical testing. Allele origin: germline. Not counted in ClinVar's aggregate classification.
Comment: This variant is classified as likely benign based on ACMG/AMP sequence variant interpretation guidelines (Richards et al. 2015 PMID: 25741868, with internal and published modifications).